The following is an entry in ClinVar:

NM_020937.4(FANCM):c.394T>A (p.Phe132Ile)

Gene: FANCM (FA complementation group M; plus strand). Cytogenetic location: 14q21.2.
Variant type: single nucleotide variant.
Coding change: c.394T>A on transcript NM_020937.4 (MANE Select); coding-DNA position 394, T replaced by A.
Protein change: p.Phe132Ile; replaces phenylalanine 132 with isoleucine.
Molecular consequence: missense variant.
Genome position (GRCh38, 1-based): chr14:45,136,425, T>A. VCF-style: chr14-45136425-T-A. GRCh37 (hg19) VCF-style: chr14-45605628-T-A.
Other names: c.394T>A, p.Phe132Ile (NM_001308133.2, NM_001308134.2); short protein forms F132I.
Identifiers: ClinVar variation 4022736 (VCV004022736.1).

ClinVar aggregate classification (germline): Uncertain significance (1 of 4 stars; one submission).

Conditions:
Inborn genetic diseases. Identifiers: MedGen C0950123, MeSH D030342.

gnomAD v4.1: 1 of 1,614,160 alleles (0.000062%); no homozygotes.

Submission:

Ambry Genetics
Classification: Uncertain significance for Inborn genetic diseases. Last evaluated: 2025-05-02. Review status: criteria provided, single submitter. Criteria: Ambry Variant Classification Scheme 2023. Collection method: clinical testing. Allele origin: germline.
Comment: The p.F132I variant (also known as c.394T>A), located in coding exon 1 of the FANCM gene, results from a T to A substitution at nucleotide position 394. The phenylalanine at codon 132 is replaced by isoleucine, an amino acid with highly similar properties. This amino acid position is conserved. In addition, this alteration is predicted to be tolerated by in silico analysis. Based on the available evidence, the clinical significance of this variant remains unclear.